The following is an entry in ClinVar:

ClinVar aggregate classification (germline): Pathogenic (1 of 4 stars; one submission).

Conditions:
Osteogenesis imperfecta type 7 (OI7). Also called: OSTEOGENESIS IMPERFECTA, TYPE IIB; Osteogenesis imperfecta type 2B; OI type 2B; Osteogenesis imperfecta, perinatal lethal autosomal recessive; OI type IIB; OI type 7. Identifiers: MedGen C1853162, MONDO:0012536, OMIM 610682.

Submission:

Labcorp Genetics (formerly Invitae), Labcorp
Classification: Pathogenic for Osteogenesis imperfecta type 7. Last evaluated: 2022-03-16. Review status: criteria provided, single submitter. Criteria: Invitae Variant Classification Sherloc (09022015). Collection method: clinical testing. Allele origin: germline.
Comment: For these reasons, this variant has been classified as Pathogenic. This variant has not been reported in the literature in individuals affected with CRTAP-related conditions. This variant is a gross deletion of the genomic region encompassing exon(s) 1-3 of the CRTAP gene, which includes the initiator codon. This deletion extends beyond the assayed region for this gene and therefore may encompass additional genes. It is expected to result in an absent or disrupted protein product. Loss-of-function variants in CRTAP are known to be pathogenic (PMID: 17055431, 19862557, 24715559).

Literature cited by the submitters: PubMed 17055431; PubMed 19862557; PubMed 24715559.

NC_000003.11:g.(?_33155570)_(33166091_?)del

Gene: CRTAP (cartilage associated protein; plus strand). Cytogenetic location: 3p22.3.
Variant type: Deletion.
Identifiers: ClinVar variation 1459770 (VCV001459770.5).